The following is an entry in ClinVar:

ClinVar aggregate classification (germline): Uncertain significance. Review status: criteria provided, multiple submitters, no conflicts (2 of 4 stars). 3 submissions from 3 submitters: Uncertain significance (3). Last evaluated 2026-08-06.

Conditions:
Osteoporosis. Identifiers: MedGen C0029456, MONDO:0005298, OMIM 166710, HP:0000939.
Polycystic liver disease 4 with or without kidney cysts. Identifiers: MedGen C4693479, MONDO:0044327, OMIM 617875.
Exudative vitreoretinopathy 4 (EVR4). Identifiers: Orphanet 891, MedGen C1866176, MONDO:0011151, OMIM 601813.
Bone mineral density quantitative trait locus 1 (BMND1). Identifiers: MedGen C1866079, OMIM 601884.
Worth disease. Also called: ENDOSTEAL HYPEROSTOSIS, AUTOSOMAL DOMINANT; OSTEOSCLEROSIS, AUTOSOMAL DOMINANT; Autosomal dominant osteosclerosis, Worth type. Identifiers: Orphanet 2790, MedGen C0432273, MONDO:0007764, OMIM 144750.
Autosomal dominant osteopetrosis 1 (OPTA1). Also called: OSTEOPETROSIS, AUTOSOMAL DOMINANT, TYPE I. Identifiers: Orphanet 2783, MedGen C1843330, MONDO:0011877, OMIM 607634.
Exudative vitreoretinopathy 1 (EVR1). Also called: CRISWICK-SCHEPENS SYNDROME; FEVR, AUTOSOMAL DOMINANT; Familial exudative vitreoretinopathy, autosomal dominant. Identifiers: Orphanet 891, Orphanet 90050, MedGen C1851402, MONDO:0007589, OMIM 133780.
Osteoporosis with pseudoglioma (OPPG). Also called: osteoporosis-pseudoglioma syndrome. Identifiers: Orphanet 2788, MedGen C0432252, MONDO:0009820, OMIM 259770.

Allele frequency attached by ClinVar (database versions not stated): gnomAD exomes 0.00003 and 0.00002; ExAC 0.00004; gnomAD 0.00004; TOPMed 0.00004.
gnomAD v4.1: 48 of 1,593,126 alleles (0.003%); highest among the groups gnomAD compares: Admixed American, 0.0087%; no homozygotes.

Submissions (3):

OLLIN Analises Genomicas, OLLIN
Classification: Uncertain significance for Bone mineral density quantitative trait locus 1. Last evaluated: 2026-08-06. Review status: criteria provided, single submitter. Criteria: ACMG Guidelines 2015 PMID 25741868. Collection method: clinical testing. Allele origin: germline. Inheritance: Autosomal dominant inheritance.
Comment: This missense variant, located in exon 21 (of 23), has been reported in ClinVar (accession VCV001434812.7) and in gnomAD with an allele frequency of 0.00301%. However, to our knowledge, it has not been reported in the scientific literature. In silico analysis predicts that this variant has a deleterious effect. This gene is constrained for missense variation. According to the currently available evidence, this variant has been classified as uncertain significance (PM2_P, PP2, PP3).

Labcorp Genetics (formerly Invitae), Labcorp
Classification: Uncertain significance. Last evaluated: 2026-01-27. Review status: criteria provided, single submitter. Criteria: Invitae Variant Classification Sherloc (09022015). Collection method: clinical testing. Allele origin: germline.
Comment: This sequence change replaces serine, which is neutral and polar, with leucine, which is neutral and non-polar, at codon 1482 of the LRP5 protein (p.Ser1482Leu). This variant is present in population databases (rs778004788, gnomAD 0.01%). This missense change has been observed in individual(s) with early-onset primary osteoporosis (PMID: 39316135). ClinVar contains an entry for this variant (Variation ID: 1434812). Invitae Evidence Modeling of protein sequence and biophysical properties (such as structural, functional, and spatial information, amino acid conservation, physicochemical variation, residue mobility, and thermodynamic stability) indicates that this missense variant is not expected to disrupt LRP5 protein function with a negative predictive value of 95%. In summary, the available evidence is currently insufficient to determine the role of this variant in disease. Therefore, it has been classified as a Variant of Uncertain Significance.

Fulgent Genetics
Classification: Uncertain significance for Exudative vitreoretinopathy 1; Worth disease; Osteoporosis; Osteoporosis with pseudoglioma; Exudative vitreoretinopathy 4; Bone mineral density quantitative trait locus 1; Autosomal dominant osteopetrosis 1; Polycystic liver disease 4 with or without kidney cysts. Last evaluated: 2022-03-22. Review status: criteria provided, single submitter. Criteria: ACMG Guidelines, 2015. Collection method: clinical testing. Allele origin: unknown.

Literature cited by the submitters: PubMed 39316135 (cited by Labcorp Genetics (formerly Invitae), Labcorp).

NM_002335.4(LRP5):c.4445C>T (p.Ser1482Leu)

Gene: LRP5 (LDL receptor related protein 5; plus strand). Cytogenetic location: 11q13.2.
Variant type: single nucleotide variant.
Coding change: c.4445C>T on transcript NM_002335.4 (MANE Select); coding-DNA position 4445, C replaced by T.
Protein change: p.Ser1482Leu; replaces serine 1482 with leucine.
Molecular consequence: missense variant.
Genome position (GRCh38, 1-based): chr11:68,439,873, C>T. VCF-style: chr11-68439873-C-T. GRCh37 (hg19) VCF-style: chr11-68207341-C-T.
Other names: c.2702C>T, p.Ser901Leu (NM_001291902.2); short protein forms S901L, S1482L.
Identifiers: ClinVar variation 1434812 (VCV001434812.8), dbSNP rs778004788, ClinGen allele CA6150361.